The following is an entry in ClinVar:

NC_000007.13:g.(?_6045513)_(6049099_?)dup

Genes: AIMP2 (aminoacyl tRNA synthetase complex interacting multifunctional protein 2; plus strand), PMS2 (PMS1 homolog 2, mismatch repair system component; minus strand). Cytogenetic location: 7p22.1.
Variant type: Duplication.
Identifiers: ClinVar variation 1471106 (VCV001471106.4).

ClinVar aggregate classification (germline): Uncertain significance (1 of 4 stars; one submission).

Conditions:
Hereditary nonpolyposis colorectal neoplasms. Identifiers: MedGen C0009405, MeSH D003123.

Submission:

Labcorp Genetics (formerly Invitae), Labcorp
Classification: Uncertain significance for Hereditary nonpolyposis colorectal neoplasms. Last evaluated: 2021-07-19. Review status: criteria provided, single submitter. Criteria: Invitae Variant Classification Sherloc (09022015). Collection method: clinical testing. Allele origin: germline.
Comment: In summary, the available evidence is currently insufficient to determine the role of this variant in disease. Therefore, it has been classified as a Variant of Uncertain Significance. Experimental studies and prediction algorithms are not available or were not evaluated, and the functional significance of this variant is currently unknown. This variant has not been reported in the literature in individuals affected with PMS2-related conditions. This variant results in a copy number gain of the genomic region encompassing exon(s) 1-2 of the PMS2 gene. This region includes the initiator codon of the gene. The 5' end of this event is unknown as it extends beyond the assayed region for this gene and therefore may encompass additional genes. The 3' boundary is likely confined to intron 2 of the PMS2 gene. As the precise location of this event is unknown, it may be in tandem or it may be located elsewhere in the genome.